The following is an entry in ClinVar:

ClinVar aggregate classification (germline): Benign (1 of 4 stars; one submission).

Submission:

GeneDx
Classification: Benign. Last evaluated: 2018-06-14. Review status: criteria provided, single submitter. Criteria: GeneDx Variant Classification (06012015). Collection method: clinical testing. Allele origin: germline. Affected: yes.
Comment: This variant is considered likely benign or benign based on one or more of the following criteria: it is a conservative change, it occurs at a poorly conserved position in the protein, it is predicted to be benign by multiple in silico algorithms, and/or has population frequency not consistent with disease.

NM_020822.3(KCNT1):c.1337+310_1337+323del

Gene: KCNT1 (potassium sodium-activated channel subfamily T member 1; plus strand). Cytogenetic location: 9q34.3.
Variant type: Deletion.
Coding change: c.1337+310_1337+323del on transcript NM_020822.3 (MANE Select); bases 310 to 323 of the intron after coding-DNA position 1337, 14 bases deleted (GGGGTGGACCATCT).
Molecular consequence: intron variant.
Genome position (GRCh38, 1-based): chr9:135,766,070-135,766,083, GGGGTGGACCATCT deleted; deleting any 14 consecutive bases within chr9:135,766,057-135,766,083 gives the same sequence; the c. name uses the placement nearest the transcript's 3' end. VCF-style (leftmost placement, unchanged base first): chr9-135766056-AGGGTGGACCATCTG-A. GRCh37 (hg19) VCF-style: chr9-138657902-AGGGTGGACCATCTG-A.
Other names: c.1202+310_1202+323del (NM_001272003.2).
Identifiers: ClinVar variation 669646 (VCV000669646.1), dbSNP rs34698704, ClinGen allele CA201465986.